The following is an entry in ClinVar:

NM_197947.3(CLEC7A):c.397C>T (p.Leu133=)

Gene: CLEC7A (C-type lectin domain containing 7A; minus strand). Cytogenetic location: 12p13.2.
Variant type: single nucleotide variant.
Coding change: c.397C>T on transcript NM_197947.3 (MANE Select); coding-DNA position 397, C replaced by T.
Protein change: p.Leu133=; no amino-acid change (leucine 133 retained).
Molecular consequence: synonymous variant. On other transcripts: non-coding transcript variant (1).
Genome position (GRCh38, 1-based): chr12:10,125,392, G>A on the plus strand (C>T on the coding strand, the complement: CLEC7A is on the minus strand). VCF-style: chr12-10125392-G-A. GRCh37 (hg19) VCF-style: chr12-10277991-G-A.
Other names: c.259C>T, p.Leu87= (NM_022570.5, NM_197949.3); c.397C>T, p.Leu133= (NM_197948.3); c.160C>T, p.Leu54= (NM_197950.3).
Identifiers: ClinVar variation 789214 (VCV000789214.29), dbSNP rs144190589, ClinGen allele CA6444037.

ClinVar aggregate classification (germline): Benign/Likely benign. Review status: criteria provided, multiple submitters, no conflicts (2 of 4 stars). 4 submissions from 4 submitters: Benign (3); Likely benign (1). Last evaluated 2026-09-01.

Conditions:
Aspergillosis, susceptibility to. Identifiers: Orphanet 1163, MedGen C3279774, MONDO:0013562, OMIM 614079.
Familial chronic mucocutaneous candidiasis (CANDF4). Also called: Candidiasis familial chronic mucocutaneous, autosomal recessive; Candidiasis, familial, 4, autosomal recessive; Candidiasis, familial, 4. Identifiers: Orphanet 1334, MedGen C0341024, MONDO:0013140, OMIM 613108.

Allele frequency attached by ClinVar (database versions not stated): TOPMed 0.00508; ESP Exome Variant Server 0.00561; 1000 Genomes Project 30x 0.00609; gnomAD exomes 0.00724 and 0.00897; ExAC 0.00767; gnomAD 0.00612 and 0.00633; 1000 Genomes Project 0.00639.
gnomAD v4.1: 13,985 of 1,613,232 alleles (0.87%); highest among the groups gnomAD compares: South Asian, 1.2%; 89 homozygotes.

Submissions (4):

CeGaT Center for Human Genetics Tuebingen
Classification: Benign. Last evaluated: 2026-09-01. Review status: criteria provided, single submitter. Criteria: CeGaT Center For Human Genetics Tuebingen Variant Classification Criteria Version 2. Collection method: clinical testing. Allele origin: germline. Affected: yes. Observed: 4 variant alleles.
Comment: CLEC7A: BP4, BP7, BS1, BS2

Fulgent Genetics
Classification: Likely benign for Familial chronic mucocutaneous candidiasis; Aspergillosis, susceptibility to. Last evaluated: 2022-02-07. Review status: criteria provided, single submitter. Criteria: ACMG Guidelines, 2015. Collection method: clinical testing. Allele origin: unknown.

Labcorp Genetics (formerly Invitae), Labcorp
Classification: Benign. Last evaluated: 2018-03-30. Review status: criteria provided, single submitter. Criteria: Invitae Variant Classification Sherloc (09022015). Collection method: clinical testing. Allele origin: germline.

Breakthrough Genomics
Classification: Benign. Review status: criteria provided, single submitter. Criteria: ACMG Guidelines, 2015. Collection method: not provided. Allele origin: germline. Inheritance: Autosomal recessive inheritance. Affected: yes.